The following is an entry in ClinVar:

ClinVar aggregate classification (germline): Uncertain significance (1 of 4 stars; one submission).

Conditions:
GYS1-related disorder. Also called: GYS1-related condition.

gnomAD v4.1: 2 of 1,531,712 alleles (0.00013%); highest among the groups gnomAD compares: Admixed American, 0.0019%; no homozygotes.

Submission:

PreventionGenetics, part of Exact Sciences
Classification: Uncertain significance for GYS1-related condition. Last evaluated: 2026-01-26. Review status: criteria provided, single submitter. Criteria: ACMG Guidelines, 2015. Collection method: clinical testing. Allele origin: germline.
Comment: The GYS1 c.*10A>G variant is located in the 3' untranslated region. To our knowledge, this variant has not been reported in the literature or in a large population database (gnomAD), indicating this variant is rare. At this time, the clinical significance of this variant is uncertain due to the absence of conclusive functional and genetic evidence.

NM_002103.5(GYS1):c.*10A>G

Gene: GYS1 (glycogen synthase 1; minus strand). Cytogenetic location: 19q13.33.
Variant type: single nucleotide variant.
Coding change: c.*10A>G on transcript NM_002103.5 (MANE Select); 10 bases downstream of the stop codon, A replaced by G.
Molecular consequence: 3 prime UTR variant. On other transcripts: non-coding transcript variant (1).
Genome position (GRCh38, 1-based): chr19:48,969,278, T>C on the plus strand (A>G on the coding strand, the complement: GYS1 is on the minus strand). VCF-style: chr19-48969278-T-C. GRCh37 (hg19) VCF-style: chr19-49472535-T-C.
Other names: c.*10A>G (NM_001161587.2).
Identifiers: ClinVar variation 4985225 (VCV004985225.1).